The following is an entry in ClinVar:

ClinVar aggregate classification (germline): Conflicting classifications of pathogenicity. Review status: criteria provided, conflicting classifications (1 of 4 stars). 5 submissions from 5 submitters: Uncertain significance (1); Likely benign (4). Last evaluated 2025-12-22.

Conditions:
TRPS1-related disorder. Also called: TRPS1-related condition.
Inborn genetic diseases. Identifiers: MedGen C0950123, MeSH D030342.
Trichorhinophalangeal dysplasia type I (TRPS1). Also called: TRPS I; TRICHORHINOPHALANGEAL SYNDROME, TYPE I. Identifiers: Orphanet 77258, MedGen C0432233, MONDO:0008596, OMIM 190350.
Trichorhinophalangeal syndrome, type III (TRPS3). Also called: SUGIO-KAJII SYNDROME. Identifiers: Orphanet 77258, MedGen C1860823, OMIM 190351, MONDO:0008597.

Allele frequency attached by ClinVar (database versions not stated): gnomAD exomes 0.00012 and 0.00016; ExAC 0.00019; gnomAD 0.00025 and 0.00026; 1000 Genomes Project 30x 0.00031; TOPMed 0.00031; 1000 Genomes Project 0.00040; ESP Exome Variant Server 0.00066.
gnomAD v4.1: 225 of 1,614,120 alleles (0.014%); highest among the groups gnomAD compares: Middle Eastern, 0.099%; no homozygotes.

Submissions (5):

PreventionGenetics, part of Exact Sciences
Classification: Likely benign for TRPS1-related condition. Last evaluated: 2025-12-22. Review status: criteria provided, single submitter. Criteria: ACMG Guidelines, 2015. Collection method: clinical testing. Allele origin: germline.
Comment: This variant is classified as likely benign based on ACMG/AMP sequence variant interpretation guidelines (Richards et al. 2015 PMID: 25741868, with internal and published modifications).

Labcorp Genetics (formerly Invitae), Labcorp
Classification: Likely benign for Trichorhinophalangeal syndrome, type III; Trichorhinophalangeal dysplasia type I. Last evaluated: 2025-08-19. Review status: criteria provided, single submitter. Criteria: Invitae Variant Classification Sherloc (09022015). Collection method: clinical testing. Allele origin: germline.

Blueprint Genetics
Classification: Likely benign. Last evaluated: 2024-11-01. Review status: criteria provided, single submitter. Criteria: ACMG Guidelines, 2015. Collection method: clinical testing. Allele origin: germline.

Ambry Genetics
Classification: Likely benign for Inborn genetic diseases. Last evaluated: 2022-02-17. Review status: criteria provided, single submitter. Criteria: Ambry Variant Classification Scheme 2023. Collection method: clinical testing. Allele origin: germline.

Eurofins Ntd Llc (ga)
Classification: Uncertain significance. Last evaluated: 2017-04-18. Review status: criteria provided, single submitter. Criteria: EGL Classification Definitions 2015. Collection method: clinical testing. Allele origin: germline. Observed: 1 variant allele, 1 heterozygote.

NM_014112.5(TRPS1):c.310C>T (p.Pro104Ser)

Gene: TRPS1 (transcriptional repressor GATA binding 1; minus strand). Cytogenetic location: 8q23.3.
Variant type: single nucleotide variant.
Coding change: c.310C>T on transcript NM_014112.5 (MANE Select); coding-DNA position 310, C replaced by T.
Protein change: p.Pro104Ser; replaces proline 104 with serine.
Molecular consequence: missense variant.
Genome position (GRCh38, 1-based): chr8:115,619,788, G>A on the plus strand (C>T on the coding strand, the complement: TRPS1 is on the minus strand). VCF-style: chr8-115619788-G-A. GRCh37 (hg19) VCF-style: chr8-116632015-G-A.
Other names: c.310C>T (NM_014112.2); c.283C>T, p.Pro95Ser (NM_001282902.3); c.289C>T, p.Pro97Ser (NM_001282903.3); c.271C>T, p.Pro91Ser (NM_001330599.2); short protein forms P104S, P97S, P91S, P95S.
Identifiers: ClinVar variation 501223 (VCV000501223.18), dbSNP rs200964070, ClinGen allele CA4852023.